The following is an entry in ClinVar:

NM_001130965.3(SUN1):c.911-3T>C

Gene: SUN1 (Sad1 and UNC84 domain containing 1; plus strand). Cytogenetic location: 7p22.3.
Variant type: single nucleotide variant.
Coding change: c.911-3T>C on transcript NM_001130965.3 (MANE Select); 3 bases into the intron before coding-DNA position 911, T replaced by C.
Molecular consequence: intron variant.
Genome position (GRCh38, 1-based): chr7:852,807, T>C. VCF-style: chr7-852807-T-C. GRCh37 (hg19) VCF-style: chr7-892444-T-C.
Other names: c.911-3T>C (NM_001367634.1, NM_001367633.1, NM_001367653.1 and 1 more transcripts); c.1325-3T>C (NM_001367651.1); c.938-3T>C (NM_001367669.1); c.1304-3T>C (NM_001367705.1, NM_001367703.1); c.1304-6T>C (NM_001367678.1, NM_001367699.1, NM_001367687.1); c.1205-6T>C (NM_001367690.1); c.1193-3T>C (NM_001367641.1, NM_001367682.1); c.1193-6T>C (NM_001367698.1); and 38 more.
Identifiers: ClinVar variation 2799837 (VCV002799837.3), dbSNP rs1823522300, ClinGen allele CA1682214043.

ClinVar aggregate classification (germline): Uncertain significance (1 of 4 stars; one submission).

Conditions:
Emery-Dreifuss muscular dystrophy (EDMD). Also called: Scapuloperoneal syndrome, X-linked (formerly); Humeroperoneal neuromuscular disease, (formerly). Identifiers: Orphanet 261, MedGen C0410189, MONDO:0016830.

Submission:

Labcorp Genetics (formerly Invitae), Labcorp
Classification: Uncertain significance for Emery-Dreifuss muscular dystrophy. Last evaluated: 2023-10-28. Review status: criteria provided, single submitter. Criteria: Invitae Variant Classification Sherloc (09022015). Collection method: clinical testing. Allele origin: germline.
Comment: This sequence change falls in intron 8 of the SUN1 gene. It does not directly change the encoded amino acid sequence of the SUN1 protein. It affects a nucleotide within the consensus splice site. This variant is not present in population databases (gnomAD no frequency). This variant has not been reported in the literature in individuals affected with SUN1-related conditions. Variants that disrupt the consensus splice site are a relatively common cause of aberrant splicing (PMID: 17576681, 9536098). Algorithms developed to predict the effect of sequence changes on RNA splicing suggest that this variant is not likely to affect RNA splicing. In summary, the available evidence is currently insufficient to determine the role of this variant in disease. Therefore, it has been classified as a Variant of Uncertain Significance.

Literature cited by the submitters: PubMed 17576681; PubMed 9536098.